The following is an entry in ClinVar:

NM_001276345.2(TNNT2):c.851+1G>A

Gene: TNNT2 (troponin T2, cardiac type; minus strand). Cytogenetic location: 1q32.1.
Variant type: single nucleotide variant.
Coding change: c.851+1G>A on transcript NM_001276345.2 (MANE Select); the canonical splice donor site of the intron after coding-DNA position 851, G replaced by A.
Molecular consequence: splice donor variant.
Genome position (GRCh38, 1-based): chr1:201,359,622, C>T on the plus strand (G>A on the coding strand, the complement: TNNT2 is on the minus strand). VCF-style: chr1-201359622-C-T. GRCh37 (hg19) VCF-style: chr1-201328750-C-T.
Other names: IVS15, G-A, +1; c.812+1G>A (NM_001406727.1, NM_001001431.3, NM_001406726.1); c.821+1G>A (NM_001406724.1, NM_001001430.3, NM_001276347.2); c.803+1G>A (NM_001001432.3); c.806+1G>A (NM_001406728.1); c.818+1G>A (NM_001406725.1); c.722+1G>A (NM_001276346.2); c.842+1G>A (NM_000364.4, NM_001406723.1).
Identifiers: ClinVar variation 43673 (VCV000043673.35), dbSNP rs111377893, ClinGen allele CA005196.
Genomic context (GRCh38, chr1:201,359,622, plus strand): 5'-TGGAAGGTAGGGAAGGAGGGGGCAGGGGGAGGGCTAGGCGAGAATGACCTCAGACACTTA[C>T]ACTTTCTGGTTATCGTTGATCCTGTTTCGGAGAACATTGATCTGCAAGAAAAGTGGGAAG-3'

ClinVar aggregate classification (germline): Likely pathogenic. Review status: reviewed by expert panel (3 of 4 stars). 11 submissions from 9 submitters: Likely pathogenic (1). 10 of the submissions do not count toward it. Last evaluated 2025-11-14.

Conditions:
TNNT2-related disorder. Also called: TNNT2-related condition.
Cardiovascular phenotype. Identifiers: MedGen CN230736.
Dilated cardiomyopathy 1D. Identifiers: Orphanet 154, Orphanet 54260, MedGen C1832243, MONDO:0011095, OMIM 601494.
Cardiomyopathy, familial restrictive, 3. Identifiers: Orphanet 75249, MedGen C2676271, MONDO:0012900, OMIM 612422.
Hypertrophic cardiomyopathy 2. Also called: TNNT2-Related Familial Hypertrophic Cardiomyopathy. Identifiers: MedGen C1861864, MONDO:0007266, OMIM 115195.
Cardiomyopathy (CMYO). Also called: Cardiomyopathies. Identifiers: Orphanet 167848, MedGen C0878544, MONDO:0004994, HP:0001638. Inheritance: Various modes of inheritance.
Hypertrophic cardiomyopathy. Also called: HYPERTROPHIC MYOCARDIOPATHY. Identifiers: Orphanet 217569, MedGen C0007194, MeSH D002312, MONDO:0005045, HP:0001639.

Submissions (11):

ClinGen Cardiomyopathy Variant Curation Expert Panel
Classification: Likely pathogenic for Hypertrophic cardiomyopathy. Last evaluated: 2025-11-14. Review status: reviewed by expert panel. Criteria: ClinGen CMP ACMG Specifications TNNT2 V1.0.0. Collection method: curation. Allele origin: germline. Inheritance: Autosomal dominant inheritance.
Comment: NM_001276345.2(TNNT2):c.851+1G>A. This variant has been reported in individuals with HCM and other cardiomyopathies (LMM data, Thierfelder 1994 PMID: 8205619, Watkins 1995 PMID: 7898523, Varnava 2001 PMID: 11560853) and is absent from large population studies (PM2_supporting; gnomAdD v2.1). It is not statistically increased in individuals with cardiomyopathy compared to controls [OR lower 95% CI <5]. Therefore, the PS4 criterion has not been applied. The variant segregated with HCM in at least 13 affected relatives from one family (PP1_Strong; Thierfelder 1994 PMID: 8205619, Watkins 1995 PMID: 7898523). This variant occurs within the canonical splice site (+/- 1,2) and is predicted to cause altered splicing leading to an abnormal or absent protein. This alteration is shown to affect the second to last exon, therefore, likely to escape nonsense mediated decay (NMD) and result in a truncated protein. In vitro and in vivo functional studies provide some evidence that this variant affected protein function (PS3_Moderate; Thierfelder 1994 PMID: 8205619, Watkins 1996 PMID: 8958207, Tardiff 1998 PMID: 9637714, Mukherjea 1999 PMID: 10529204, Szczesna 2000 PMID: 10617660, Gafurov 2004 PMID: 15568820, Becker 2011 PMID: 21245263). In summary, this variant meets criteria to be classified as likely pathogenic for hypertrophic cardiomyopathy in an autosomal dominant manner based on PM2_Supporting, PP1_Strong and PS3_Moderate.

Labcorp Genetics (formerly Invitae), Labcorp
Classification: Pathogenic for Cardiomyopathy, familial restrictive, 3; Hypertrophic cardiomyopathy 2; Dilated cardiomyopathy 1D. Last evaluated: 2025-03-04. Review status: criteria provided, single submitter. Criteria: Invitae Variant Classification Sherloc (09022015). Collection method: clinical testing. Allele origin: germline. Not counted in ClinVar's aggregate classification.
Comment: This sequence change falls in intron 15 of the TNNT2 gene. It does not directly change the encoded amino acid sequence of the TNNT2 protein. RNA analysis indicates that this variant induces altered splicing and likely disrupts the C-terminus of the protein. This variant is not present in population databases (gnomAD no frequency). This variant has been observed in individual(s) with hypertrophic cardiomyopathy (PMID: 7898523, 8205619, 11560853). It has also been observed to segregate with disease in related individuals. ClinVar contains an entry for this variant (Variation ID: 43673). Algorithms developed to predict the effect of variants on gene product structure and function are not available or were not evaluated for this variant. Experimental studies have shown that this variant affects TNNT2 function (PMID: 9637714, 10617660, 10850966, 15568820, 21245263, 27036851). Variants that disrupt the consensus splice site are a relatively common cause of aberrant splicing (PMID: 17576681, 9536098). Studies have shown that this variant results in loss of last 14 amino acids and introduces a new termination codon (PMID: 8205619). However the mRNA is not expected to undergo nonsense-mediated decay. For these reasons, this variant has been classified as Pathogenic.

CeGaT Center for Human Genetics Tuebingen
Classification: Pathogenic. Last evaluated: 2024-09-01. Review status: criteria provided, single submitter. Criteria: CeGaT Center For Human Genetics Tuebingen Variant Classification Criteria Version 2. Collection method: clinical testing. Allele origin: germline. Affected: yes. Observed: 1 variant allele. Not counted in ClinVar's aggregate classification.
Comment: TNNT2: PP1:Strong, PM2, PS3:Moderate, PS4:Moderate

Genome-Nilou Lab
Classification: Likely pathogenic for Dilated cardiomyopathy 1D. Last evaluated: 2023-04-11. Review status: criteria provided, single submitter. Criteria: ACMG Guidelines, 2015. Collection method: clinical testing. Allele origin: germline. Affected: no. Not counted in ClinVar's aggregate classification.

Genome-Nilou Lab
Classification: Likely pathogenic for Cardiomyopathy, familial restrictive, 3. Last evaluated: 2023-04-11. Review status: criteria provided, single submitter. Criteria: ACMG Guidelines, 2015. Collection method: clinical testing. Allele origin: germline. Affected: no. Not counted in ClinVar's aggregate classification.

Genome-Nilou Lab
Classification: Likely pathogenic for Hypertrophic cardiomyopathy 2. Last evaluated: 2023-04-11. Review status: criteria provided, single submitter. Criteria: ACMG Guidelines, 2015. Collection method: clinical testing. Allele origin: germline. Affected: no. Not counted in ClinVar's aggregate classification.

Blueprint Genetics
Classification: Pathogenic for TNNT2-related disorders. Last evaluated: 2020-10-07. Review status: criteria provided, single submitter. Criteria: ACMG Guidelines, 2015. Collection method: clinical testing. Allele origin: germline. Affected: yes. Observed: 2 variant alleles. Not counted in ClinVar's aggregate classification.

CHEO Genetics Diagnostic Laboratory, Children's Hospital of Eastern Ontario
Classification: Pathogenic for Cardiomyopathy. Last evaluated: 2020-09-24. Review status: criteria provided, single submitter. Criteria: ACMG Guidelines, 2015. Collection method: clinical testing. Allele origin: germline. Not counted in ClinVar's aggregate classification.

Ambry Genetics
Classification: Likely pathogenic for Cardiovascular phenotype. Last evaluated: 2018-11-23. Review status: criteria provided, single submitter. Criteria: Ambry Variant Classification Scheme 2023. Collection method: clinical testing. Allele origin: germline. Not counted in ClinVar's aggregate classification.
Comment: The c.821+1G>A intronic variant results from a G to A substitution one nucleotide after coding exon 14 of the TNNT2 gene. This alteration was identified in a large hypertophic cardiomyopathy family and mRNA analysis demonstrated aberrant splicing (Thierfelder L et al. Cell, 1994 Jun;77:701-12; Watkins H et al. Nat. Genet., 1993 Apr;3:333-7). Based on internal structural analysis, this alteration disrupts part of the C-terminal coiled-coil heptad repeat motif responsible for the interface with TNNI3 (Ambry internal data; Takeda S et al. Nature, 2003 Jul;424:35-41). In vitro and in vivo functional analysis of this variant demonstrated impaired protein function (Watkins H et al. J. Clin. Invest., 1996 Dec;98:2456-61; Tardiff JC et al. J. Clin. Invest., 1998 Jun;101:2800-11; Szczesna D et al. J. Biol. Chem., 2000 Jan;275:624-30; Becker JR et al. Dis Model Mech, 2011 May;4:400-10). This nucleotide position is highly conserved in available vertebrate species. In addition, alterations that disrupt the canonical splice site are expected to cause aberrant splicing resulting in an abnormal protein. Based on the majority of available evidence to date, this variant is likely to be pathogenic.

Laboratory for Molecular Medicine, Mass General Brigham Personalized Medicine
Classification: Pathogenic for Hypertrophic cardiomyopathy. Last evaluated: 2014-12-22. Review status: criteria provided, single submitter. Criteria: LMM Criteria. Collection method: clinical testing. Allele origin: germline. Observed: 2 variant alleles. Not counted in ClinVar's aggregate classification.
Comment: The c.821+1G>A variant in TNNT2 has been reported in one family with HCM, in whi ch it segregated with disease in at least 13 affected relatives (Thierfelder 199 4, Watkins 1995). The c.821+1G>A variant occurs in the invariant region (+/- 1,2) of the splice consensus sequen ce and has been shown to cause altered splicing leading to an abnormal protein ( Watkins 1995, Watkins 1996). In vitro functional studies provide some evidence t hat the abnormal protein has impaired function (Watkins 1996, Mukherjea 1999, Sz czesna 2000, Gafurov 2004). In addition, mouse and zebrafish animal models provi de evidence for a causative role (Tardiff 1998, Becker 2011). In summary, this v ariant meets our criteria to be classified as pathogenic for HCM in an autosomal dominant manner based upon s egregation studies, absence from controls and functional evidence.

OMIM
Classification: Pathogenic for CARDIOMYOPATHY, FAMILIAL HYPERTROPHIC, 2. Last evaluated: 1996-12-01. Review status: no assertion criteria provided. Collection method: literature only. Allele origin: germline. Not counted in ClinVar's aggregate classification.

Literature cited by the submitters: PubMed 7898523 (cited by 3 submitters); PubMed 8205619 (cited by 4 submitters); PubMed 11560853 (cited by 3 submitters); PubMed 9637714 (cited by 3 submitters); PubMed 10617660 (cited by 3 submitters); PubMed 10850966 (cited by Labcorp Genetics (formerly Invitae), Labcorp); PubMed 15568820 (cited by Labcorp Genetics (formerly Invitae), Labcorp and Laboratory for Molecular Medicine, Mass General Brigham Personalized Medicine); PubMed 21245263 (cited by 3 submitters); PubMed 27036851 (cited by Labcorp Genetics (formerly Invitae), Labcorp); PubMed 17576681 (cited by Labcorp Genetics (formerly Invitae), Labcorp); PubMed 9536098 (cited by Labcorp Genetics (formerly Invitae), Labcorp); PubMed 12840750 (cited by Ambry Genetics); PubMed 7981753 (cited by Ambry Genetics and OMIM); PubMed 8958207 (cited by 3 submitters); PubMed 10529204 (cited by Laboratory for Molecular Medicine, Mass General Brigham Personalized Medicine).